The following is an entry in ClinVar:

ClinVar aggregate classification (germline): Likely benign (1 of 4 stars; one submission).

Submission:

CeGaT Center for Human Genetics Tuebingen
Classification: Likely benign. Last evaluated: 2024-03-01. Review status: criteria provided, single submitter. Criteria: CeGaT Center For Human Genetics Tuebingen Variant Classification Criteria Version 2. Collection method: clinical testing. Allele origin: germline. Affected: yes. Observed: 1 variant allele.
Comment: COL4A4: PM2:Supporting, BP4, BP7

NM_000092.5(COL4A4):c.3255T>A (p.Gly1085=)

Gene: COL4A4 (collagen type IV alpha 4 chain; minus strand). Cytogenetic location: 2q36.3.
Variant type: single nucleotide variant.
Coding change: c.3255T>A on transcript NM_000092.5 (MANE Select); coding-DNA position 3255, T replaced by A.
Protein change: p.Gly1085=; no amino-acid change (glycine 1085 retained).
Molecular consequence: synonymous variant.
Genome position (GRCh38, 1-based): chr2:227,047,509, A>T on the plus strand (T>A on the coding strand, the complement: COL4A4 is on the minus strand). VCF-style: chr2-227047509-A-T. GRCh37 (hg19) VCF-style: chr2-227912225-A-T.
Identifiers: ClinVar variation 3067369 (VCV003067369.21), dbSNP rs2473865164, ClinGen allele CA431498837.